The following is an entry in ClinVar:

NM_000307.5(POU3F4):c.856G>T (p.Glu286Ter)

Gene: POU3F4 (POU class 3 homeobox 4; plus strand). Cytogenetic location: Xq21.1.
Variant type: single nucleotide variant.
Coding change: c.856G>T on transcript NM_000307.5 (MANE Select); coding-DNA position 856, G replaced by T.
Protein change: p.Glu286Ter; replaces glutamic acid 286 with a stop codon.
Molecular consequence: nonsense.
Genome position (GRCh38, 1-based): chrX:83,509,180, G>T. VCF-style: chrX-83509180-G-T. GRCh37 (hg19) VCF-style: chrX-82764188-G-T.
Other names: short protein forms E286*.
Identifiers: ClinVar variation 3601680 (VCV003601680.1).

ClinVar aggregate classification (germline): Pathogenic (1 of 4 stars; one submission).

Conditions:
X-linked mixed hearing loss with perilymphatic gusher. Also called: Deafness, X-linked 2; NANCE DEAFNESS; PERILYMPHATIC GUSHER-DEAFNESS SYNDROME; SENSORINEURAL DEAFNESS, PROFOUND, WITH OR WITHOUT A CONDUCTIVE COMPONENT, ASSOCIATED WITH A UNIQUE DEVELOPMENTAL ABNORMALITY OF THE EAR; Gusher syndrome. Identifiers: Orphanet 383, MedGen C1844678, MONDO:0010576, OMIM 304400.

Submission:

Institute of Rare Diseases, West China Hospital, Sichuan University
Classification: Pathogenic for X-linked mixed hearing loss with perilymphatic gusher. Last evaluated: 2025-01-09. Review status: criteria provided, single submitter. Criteria: ClinGen HL ACMG Specifications v1. Collection method: research. Allele origin: germline. Affected: yes.
Comment: PM1;PVS1;PM3_Supporting;PP4;PM2_Supporting